The following is an entry in ClinVar:

NM_133642.5(LARGE1):c.1094G>A (p.Arg365His)

Gene: LARGE1 (LARGE xylosyl- and glucuronyltransferase 1; minus strand). Cytogenetic location: 22q12.3.
Variant type: single nucleotide variant.
Coding change: c.1094G>A on transcript NM_133642.5 (MANE Select); coding-DNA position 1094, G replaced by A.
Protein change: p.Arg365His; replaces arginine 365 with histidine.
Molecular consequence: missense variant.
Genome position (GRCh38, 1-based): chr22:33,381,956, C>T on the plus strand (G>A on the coding strand, the complement: LARGE1 is on the minus strand). VCF-style: chr22-33381956-C-T. GRCh37 (hg19) VCF-style: chr22-33777942-C-T.
Other names: c.1094G>A, p.Arg365His (NM_001362949.2, NM_001362951.2, NM_001362953.2 and 7 more transcripts); c.491G>A, p.Arg164His (NM_001378630.1, NM_001378631.1); short protein forms R365H, R164H.
Identifiers: ClinVar variation 594721 (VCV000594721.6), dbSNP rs749284964, ClinGen allele CA10202858.

ClinVar aggregate classification (germline): Uncertain significance. Review status: criteria provided, multiple submitters, no conflicts (2 of 4 stars). 2 submissions from 2 submitters: Uncertain significance (2). Last evaluated 2025-08-23.

Conditions:
Muscular dystrophy-dystroglycanopathy type B6 (MDDGB6). Also called: MUSCULAR DYSTROPHY-DYSTROGLYCANOPATHY (CONGENITAL WITH IMPAIRED INTELLECTUAL DEVELOPMENT), TYPE B, 6; MUSCULAR DYSTROPHY, CONGENITAL, LARGE-RELATED; MUSCULAR DYSTROPHY, CONGENITAL, TYPE 1D. Identifiers: MedGen C1837229, MONDO:0012138, OMIM 608840.

Allele frequency attached by ClinVar (database versions not stated): ExAC 0.00001; gnomAD exomes 0.00001.
gnomAD v4.1: 15 of 1,614,060 alleles (0.00093%); highest among the groups gnomAD compares: Admixed American, 0.0033%; no homozygotes.

Submissions (2):

Labcorp Genetics (formerly Invitae), Labcorp
Classification: Uncertain significance for Muscular dystrophy-dystroglycanopathy type B6. Last evaluated: 2025-08-23. Review status: criteria provided, single submitter. Criteria: Invitae Variant Classification Sherloc (09022015). Collection method: clinical testing. Allele origin: germline.
Comment: This sequence change replaces arginine, which is basic and polar, with histidine, which is basic and polar, at codon 365 of the LARGE1 protein (p.Arg365His). This variant is present in population databases (rs749284964, gnomAD 0.006%). This variant has not been reported in the literature in individuals affected with LARGE1-related conditions. ClinVar contains an entry for this variant (Variation ID: 594721). Invitae Evidence Modeling of protein sequence and biophysical properties (such as structural, functional, and spatial information, amino acid conservation, physicochemical variation, residue mobility, and thermodynamic stability) has been performed for this missense variant. However, the output from this modeling did not meet the statistical confidence thresholds required to predict the impact of this variant on LARGE1 protein function. In summary, the available evidence is currently insufficient to determine the role of this variant in disease. Therefore, it has been classified as a Variant of Uncertain Significance.

Eurofins Ntd Llc (ga)
Classification: Uncertain significance. Last evaluated: 2017-10-24. Review status: criteria provided, single submitter. Criteria: EGL Classification Definitions 2015. Collection method: clinical testing. Allele origin: germline. Observed: 1 variant allele, 1 heterozygote.